The following is an entry in ClinVar:

ClinVar aggregate classification (germline): Uncertain significance (1 of 4 stars; one submission).

Allele frequency attached by ClinVar (database versions not stated): gnomAD exomes below 0.00001; gnomAD 0.00001; TOPMed 0.00002.

Submission:

Labcorp Genetics (formerly Invitae), Labcorp
Classification: Uncertain significance. Last evaluated: 2023-12-06. Review status: criteria provided, single submitter. Criteria: Invitae Variant Classification Sherloc (09022015). Collection method: clinical testing. Allele origin: germline.
Comment: This sequence change replaces alanine, which is neutral and non-polar, with threonine, which is neutral and polar, at codon 297 of the MGME1 protein (p.Ala297Thr). This variant is not present in population databases (gnomAD no frequency). This variant has not been reported in the literature in individuals affected with MGME1-related conditions. ClinVar contains an entry for this variant (Variation ID: 1955920). Advanced modeling of protein sequence and biophysical properties (such as structural, functional, and spatial information, amino acid conservation, physicochemical variation, residue mobility, and thermodynamic stability) performed at Invitae indicates that this missense variant is expected to disrupt MGME1 protein function with a positive predictive value of 80%. In summary, the available evidence is currently insufficient to determine the role of this variant in disease. Therefore, it has been classified as a Variant of Uncertain Significance.

NM_052865.4(MGME1):c.889G>A (p.Ala297Thr)

Gene: MGME1 (mitochondrial genome maintenance exonuclease 1; plus strand). Cytogenetic location: 20p11.23.
Variant type: single nucleotide variant.
Coding change: c.889G>A on transcript NM_052865.4 (MANE Select); coding-DNA position 889, G replaced by A.
Protein change: p.Ala297Thr; replaces alanine 297 with threonine.
Molecular consequence: missense variant.
Genome position (GRCh38, 1-based): chr20:17,989,963, G>A. VCF-style: chr20-17989963-G-A. GRCh37 (hg19) VCF-style: chr20-17970606-G-A.
Other names: c.934G>A, p.Ala312Thr (NM_001310338.2); c.536G>A, p.Gly179Asp (NM_001310339.2); c.649G>A, p.Ala217Thr (NM_001363738.2); short protein forms A297T, A312T, A217T, G179D.
Identifiers: ClinVar variation 1955920 (VCV001955920.5), dbSNP rs1451211421, ClinGen allele CA408329792.
Genomic context (GRCh38, chr20:17,989,963, plus strand): 5'-GTAGTGAAACGAGAATTGCCCTGTGTTTCTTCCTAGGTTCAATGTGGCTTAATTGTGGTG[G>A]CCTACAAAGATGGATCACCTGCCCACCCACATTTCATGGATGCAGAGCTCTGTTCCCAGT-3'
Protein context (NP_443097.1, residues 287-307): FQVQCGLIVV[Ala297Thr]YKDGSPAHPH